The following is an entry in ClinVar:

ClinVar aggregate classification (germline): Benign. Review status: criteria provided, multiple submitters, no conflicts (2 of 4 stars). 3 submissions from 3 submitters: Benign (3). Last evaluated 2026-02-02.

Conditions:
Fraser syndrome 3. Identifiers: MedGen C4540040, MONDO:0054739, OMIM 617667.

Allele frequency attached by ClinVar (database versions not stated): gnomAD 0.00029 and 0.00051; TOPMed 0.00046; gnomAD exomes 0.00049 and 0.00115; ExAC 0.00120; 1000 Genomes Project 30x 0.00265; 1000 Genomes Project 0.00300.
gnomAD v4.1: 818 of 1,613,458 alleles (0.051%); highest among the groups gnomAD compares: East Asian, 1.7%; 19 homozygotes.

Submissions (3):

Labcorp Genetics (formerly Invitae), Labcorp
Classification: Benign. Last evaluated: 2026-02-02. Review status: criteria provided, single submitter. Criteria: Invitae Variant Classification Sherloc (09022015). Collection method: clinical testing. Allele origin: germline.

Illumina Laboratory Services, Illumina
Classification: Benign for Fraser syndrome 3. Last evaluated: 2018-01-13. Review status: criteria provided, single submitter. Criteria: ICSL Variant Classification Criteria 13 December 2019. Collection method: clinical testing. Allele origin: germline.
Comment: This variant was observed in the ICSL laboratory as part of a predisposition screen in an ostensibly healthy population. It had not been previously curated by ICSL or reported in the Human Gene Mutation Database (HGMD: prior to June 1st, 2018), and was therefore a candidate for classification through an automated scoring system. Utilizing variant allele frequency, disease prevalence and penetrance estimates, and inheritance mode, an automated score was calculated to assess if this variant is too frequent to cause the disease. Based on the score and internal cut-off values, a variant classified as benign is not then subjected to further curation. The score for this variant resulted in a classification of benign for this disease.

Eurofins Ntd Llc (ga)
Classification: Benign. Last evaluated: 2015-09-15. Review status: criteria provided, single submitter. Criteria: EGL Classification Definitions 2015. Collection method: clinical testing. Allele origin: germline. Observed: 1 variant allele, 1 heterozygote.

NM_001366722.1(GRIP1):c.692C>T (p.Ala231Val)

Gene: GRIP1 (glutamate receptor interacting protein 1; minus strand). Cytogenetic location: 12q14.3.
Variant type: single nucleotide variant.
Coding change: c.692C>T on transcript NM_001366722.1 (MANE Select); coding-DNA position 692, C replaced by T.
Protein change: p.Ala231Val; replaces alanine 231 with valine.
Molecular consequence: missense variant.
Genome position (GRCh38, 1-based): chr12:66,515,651, G>A on the plus strand (C>T on the coding strand, the complement: GRIP1 is on the minus strand). VCF-style: chr12-66515651-G-A. GRCh37 (hg19) VCF-style: chr12-66909431-G-A.
Other names: c.692C>T, p.Ala231Val (NM_001178074.2, NM_021150.4); c.770C>T, p.Ala257Val (NM_001366723.1, NM_001366724.1); short protein forms A231V, A257V.
Identifiers: ClinVar variation 282953 (VCV000282953.17), dbSNP rs150958775, ClinGen allele CA6674567.
Genomic context (GRCh38, chr12:66,515,651, plus strand): 5'-AGATCACACCCTCAGGACCCCAACATACCCATTACTGAGACATCATATTCTATCAGCAGT[G>A]CTGCTTCTTGTCCACATTGTTTAAGAATACTCATGGCTTCAGCATGCGTAGTTCCAAGAA-3'
Protein context (NP_001353651.1, residues 221-241): SILKQCGQEA[Ala231Val]LLIEYDVSVM